The following is an entry in ClinVar:

ClinVar aggregate classification (germline): Uncertain significance (1 of 4 stars; one submission).

Submission:

Labcorp Genetics (formerly Invitae), Labcorp
Classification: Uncertain significance. Last evaluated: 2022-03-14. Review status: criteria provided, single submitter. Criteria: Invitae Variant Classification Sherloc (09022015). Collection method: clinical testing. Allele origin: germline.
Comment: A copy number gain of the genomic region encompassing the full coding sequence of the LIPI gene has been identified. The boundaries of this event are unknown as they extend beyond the assayed region for this gene and therefore may encompass additional genes. As the precise location of this event is unknown, it may be in tandem or it may be located elsewhere in the genome. This variant has not been reported in the literature in individuals affected with LIPI-related conditions. In summary, the available evidence is currently insufficient to determine the role of this variant in disease. Therefore, it has been classified as a Variant of Uncertain Significance.

NC_000021.8:g.(?_15481314)_(15579244_?)dup

Gene: LIPI (lipase I; minus strand). Cytogenetic location: 21q11.2.
Variant type: Duplication.
Identifiers: ClinVar variation 2427663 (VCV002427663.3).